The following is an entry in ClinVar:

ClinVar aggregate classification (germline): Pathogenic (1 of 4 stars; one submission).

Conditions:
Primary immunodeficiency or monogenic inflammatory bowel disease.

Submission:

North West Genomic Laboratory Hub, Manchester University NHS Foundation Trust
Classification: Pathogenic for Primary immunodeficiency or monogenic inflammatory bowel disease. Last evaluated: 2025-05-28. Review status: criteria provided, single submitter. Criteria: ACGS Best Practice Guidelines for Variant Classification in Rare Disease 2024. Collection method: clinical testing. Allele origin: germline. Affected: yes.
Comment: PVS1_VStr PM2_Mod

NM_000063.6(C2):c.237_240del (p.Ser80fs)

Gene: C2 (complement C2; plus strand). Cytogenetic location: 6p21.33.
Variant type: Deletion.
Coding change: c.237_240del on transcript NM_000063.6 (MANE Select); coding-DNA positions 237 to 240, 4 bases deleted (GTCT; older notation c.237_240delGTCT).
Protein change: p.Ser80fs; shifts the reading frame from serine 80.
Molecular consequence: frameshift variant. On other transcripts: nonsense (1), intron variant (3).
Genome position (GRCh38, 1-based): chr6:31,928,145-31,928,148, GTCT deleted; deleting any 4 consecutive bases within chr6:31,928,142-31,928,148 gives the same sequence; the c. name uses the placement nearest the transcript's 3' end. VCF-style (leftmost placement, unchanged base first): chr6-31928141-CTCTG-C. GRCh37 (hg19) VCF-style: chr6-31895918-CTCTG-C.
Other names: c.122_125del, p.Leu40_Cys41insTer (NM_001282458.2); c.237_240del, p.Ser80fs (NM_001282459.2); c.-63-5465_-63-5462del (NM_001282457.2); c.74-5465_74-5462del (NM_001178063.3); c.46+347_46+350del (NM_001145903.3); short protein forms S80fs.
Identifiers: ClinVar variation 4887050 (VCV004887050.1).